The following is an entry in ClinVar:

ClinVar aggregate classification (germline): Uncertain significance. Review status: criteria provided, multiple submitters, no conflicts (2 of 4 stars). 3 submissions from 3 submitters: Uncertain significance (3). Last evaluated 2024-05-16.

Conditions:
CFAP410-related disorder. Also called: CFAP410-related condition.

Submissions (3):

Blueprint Genetics
Classification: Uncertain significance. Last evaluated: 2024-05-16. Review status: criteria provided, single submitter. Criteria: ACMG Guidelines, 2015. Collection method: clinical testing. Allele origin: germline.

Labcorp Genetics (formerly Invitae), Labcorp
Classification: Uncertain significance. Last evaluated: 2023-09-30. Review status: criteria provided, single submitter. Criteria: Invitae Variant Classification Sherloc (09022015). Collection method: clinical testing. Allele origin: germline.
Comment: Experimental studies and prediction algorithms are not available or were not evaluated, and the functional significance of this variant is currently unknown. ClinVar contains an entry for this variant (Variation ID: 849214). This variant has not been reported in the literature in individuals affected with CFAP410-related conditions. This variant is present in population databases (rs745393870, gnomAD 0.01%). This variant, c.418_420del, results in the deletion of 1 amino acid(s) of the CFAP410 protein (p.Glu140del), but otherwise preserves the integrity of the reading frame. In summary, the available evidence is currently insufficient to determine the role of this variant in disease. Therefore, it has been classified as a Variant of Uncertain Significance.

PreventionGenetics, part of Exact Sciences
Classification: Uncertain significance for CFAP410-related condition. Last evaluated: 2023-04-04. Review status: criteria provided, single submitter. Criteria: ACMG Guidelines, 2015. Collection method: clinical testing. Allele origin: germline.
Comment: The CFAP410 c.418_420delGAG variant is predicted to result in an in-frame deletion (p.Glu140del). To our knowledge, this variant has not been reported in the literature. This variant is reported in 0.012% of alleles in individuals of African descent in gnomAD. At this time, the clinical significance of this variant is uncertain due to the absence of conclusive functional and genetic evidence.

NM_004928.3(CFAP410):c.415GAG[1] (p.Glu140del)

Gene: CFAP410 (cilia and flagella associated protein 410; minus strand). Cytogenetic location: 21q22.3.
Variant type: Microsatellite.
Coding change: c.415GAG[1] on transcript NM_004928.3 (MANE Select); one copy of the 3-base unit GAG starting at c.415; the reference has two copies in a row; one copy, 3 bases deleted.
Protein change: p.Glu140del; deletes glutamic acid 140.
Molecular consequence: inframe deletion.
Genome position (GRCh38, 1-based): chr21:44,331,968-44,331,970, CTC deleted on the plus strand (GAG on the coding strand, the reverse complement: CFAP410 is on the minus strand); deleting any 3 consecutive bases within chr21:44,331,968-44,331,973 gives the same sequence; the position shown is the placement nearest the transcript's 3' end. VCF-style (leftmost placement, unchanged base first): chr21-44331967-TCTC-T. GRCh37 (hg19) VCF-style: chr21-45751850-TCTC-T.
Other names: c.415GAG[1], p.Glu140del (NM_001271440.2, NM_001271441.2); c.292GAG[1], p.Glu99del (NM_001271442.1); c.418_420delGAG (NM_004928.2); short protein forms E99del, E140del.
Identifiers: ClinVar variation 849214 (VCV000849214.7), dbSNP rs745393870, ClinGen allele CA10053679.